The following is an entry in ClinVar:

NM_001349206.2(LPIN1):c.2013+2T>A

Gene: LPIN1 (lipin 1; plus strand). Cytogenetic location: 2p25.1.
Variant type: single nucleotide variant.
Coding change: c.2013+2T>A on transcript NM_001349206.2 (MANE Select); the canonical splice donor site of the intron after coding-DNA position 2013, T replaced by A.
Molecular consequence: splice donor variant.
Genome position (GRCh38, 1-based): chr2:11,803,035, T>A. VCF-style: chr2-11803035-T-A. GRCh37 (hg19) VCF-style: chr2-11943161-T-A.
Other names: c.2160+2T>A (NM_001261428.3); c.2052+2T>A (NM_001349208.2); c.2103+2T>A (NM_001349207.2); c.1923+2T>A (NM_001261427.3); c.2013+2T>A (NM_001349204.2, NM_001349205.2); c.2010+2T>A (NM_001349202.2, NM_001349203.2); c.1983+2T>A (NM_001349200.2, NM_001349201.2); c.1905+2T>A (NM_001349199.2, NM_145693.4).
Identifiers: ClinVar variation 5006059 (VCV005006059.2).

ClinVar aggregate classification (germline): Likely pathogenic (1 of 4 stars; one submission).

Conditions:
Myoglobinuria, acute recurrent, autosomal recessive. Also called: RHABDOMYOLYSIS, ACUTE RECURRENT; MYOGLOBINURIA, FAMILIAL PAROXYSMAL PARALYTIC; Myoglobinuria, recurrent, autosomal recessive. Identifiers: Orphanet 99845, MedGen C1849386, MONDO:0009992, OMIM 268200.

Submission:

Juno Genomics, Hangzhou Juno Genomics, Inc
Classification: Likely pathogenic for Myoglobinuria, acute recurrent, autosomal recessive. Review status: criteria provided, single submitter. Criteria: ACMG Guidelines, 2015. Collection method: clinical testing. Allele origin: germline.
Comment: Null variant in a gene where loss of function (LOF) is a known mechanism of disease.;Absent from controls (or at extremely low frequency if recessive) in Genome Aggregation Database.